The following is an entry in ClinVar:

ClinVar aggregate classification (germline): Uncertain significance (1 of 4 stars; one submission).

Conditions:
Bailey-Bloch congenital myopathy (CMYO13). Also called: Native American myopathy; STAC3 disorder; Congenital myopathy 13. Identifiers: Orphanet 168572, MedGen C1850625, MONDO:0009722, OMIM 255995.

Allele frequency attached by ClinVar (database versions not stated): gnomAD exomes below 0.00001; TOPMed below 0.00001.
gnomAD v4.1: 2 of 1,614,086 alleles (0.00012%); highest among the groups gnomAD compares: Admixed American, 0.0017%; no homozygotes.

Submission:

Labcorp Genetics (formerly Invitae), Labcorp
Classification: Uncertain significance for Bailey-Bloch congenital myopathy. Last evaluated: 2022-06-28. Review status: criteria provided, single submitter. Criteria: Invitae Variant Classification Sherloc (09022015). Collection method: clinical testing. Allele origin: germline.
Comment: Variants that disrupt the consensus splice site are a relatively common cause of aberrant splicing (PMID: 17576681, 9536098). Algorithms developed to predict the effect of sequence changes on RNA splicing suggest that this variant may disrupt the consensus splice site. In summary, the available evidence is currently insufficient to determine the role of this variant in disease. Therefore, it has been classified as a Variant of Uncertain Significance. Experimental studies and prediction algorithms are not available or were not evaluated, and the functional significance of this variant is currently unknown. ClinVar contains an entry for this variant (Variation ID: 1010716). This variant has not been reported in the literature in individuals affected with STAC3-related conditions. This variant is not present in population databases (gnomAD no frequency). This sequence change affects a donor splice site in intron 11 of the STAC3 gene. While this variant is not anticipated to result in nonsense mediated decay, it likely alters RNA splicing and results in a disrupted protein product.

Literature cited by the submitters: PubMed 17576681; PubMed 9536098.

NM_145064.3(STAC3):c.996+1G>A

Gene: STAC3 (SH3 and cysteine rich domain 3; minus strand). Cytogenetic location: 12q13.3.
Variant type: single nucleotide variant.
Coding change: c.996+1G>A on transcript NM_145064.3 (MANE Select); the canonical splice donor site of the intron after coding-DNA position 996, G replaced by A.
Molecular consequence: splice donor variant.
Genome position (GRCh38, 1-based): chr12:57,244,087, C>T on the plus strand (G>A on the coding strand, the complement: STAC3 is on the minus strand). VCF-style: chr12-57244087-C-T. GRCh37 (hg19) VCF-style: chr12-57637870-C-T.
Other names: c.438+1G>A (NM_001286257.2); c.879+1G>A (NM_001286256.2).
Identifiers: ClinVar variation 1010716 (VCV001010716.12), dbSNP rs112907880, ClinGen allele CA237755201.
Genomic context (GRCh38, chr12:57,244,087, plus strand): 5'-CAAGGAGTGTGGTGGGCTAGGGAGCATTCAGGCCTGGGATTGGGTTGGGGCAACAGCCTA[C>T]CTGGTCCTTCTTGAGAGTGATCTGCCCTATCTCGCGGTTCCCCACGAAGGATCTCGTCAC-3'